The following is an entry in ClinVar:

ClinVar aggregate classification (germline): Uncertain significance. Review status: criteria provided, multiple submitters, no conflicts (2 of 4 stars). 3 submissions from 3 submitters: Uncertain significance (2). 1 of the submissions does not count toward it. Last evaluated 2024-10-28.

Conditions:
Hereditary cancer-predisposing syndrome. Also called: Neoplastic Syndromes, Hereditary; Hereditary Cancer Syndrome; Hereditary neoplastic syndrome; Tumor predisposition. Identifiers: Orphanet 140162, MedGen C0027672, MeSH D009386, MONDO:0015356.
Bloom syndrome (BLM). Also called: Bloom-Torre-Machacek syndrome. Identifiers: Orphanet 125, MedGen C0005859, MONDO:0008876, OMIM 210900.

Allele frequency attached by ClinVar (database versions not stated): gnomAD exomes below 0.00001; gnomAD 0.00001; TOPMed 0.00001.
gnomAD v4.1: 4 of 1,613,754 alleles (0.00025%); highest among the groups gnomAD compares: East Asian, 0.0022%; no homozygotes.

Submissions (3):

Ambry Genetics
Classification: Uncertain significance for Hereditary cancer-predisposing syndrome. Last evaluated: 2024-10-28. Review status: criteria provided, single submitter. Criteria: Ambry Variant Classification Scheme 2023. Collection method: clinical testing. Allele origin: germline.
Comment: The p.T337I variant (also known as c.1010C>T), located in coding exon 4 of the BLM gene, results from a C to T substitution at nucleotide position 1010. The threonine at codon 337 is replaced by isoleucine, an amino acid with similar properties. This amino acid position is not well conserved in available vertebrate species. In addition, this alteration is predicted to be tolerated by in silico analysis. Since supporting evidence is limited at this time, the clinical significance of this alteration remains unclear.

Labcorp Genetics (formerly Invitae), Labcorp
Classification: Uncertain significance for Bloom syndrome. Last evaluated: 2024-08-27. Review status: criteria provided, single submitter. Criteria: Invitae Variant Classification Sherloc (09022015). Collection method: clinical testing. Allele origin: germline.
Comment: This sequence change replaces threonine, which is neutral and polar, with isoleucine, which is neutral and non-polar, at codon 337 of the BLM protein (p.Thr337Ile). This variant is not present in population databases (gnomAD no frequency). This variant has not been reported in the literature in individuals affected with BLM-related conditions. ClinVar contains an entry for this variant (Variation ID: 1058437). An algorithm developed to predict the effect of missense changes on protein structure and function outputs the following: PolyPhen-2: "Benign". The isoleucine amino acid residue is found in multiple mammalian species, which suggests that this missense change does not adversely affect protein function. In summary, the available evidence is currently insufficient to determine the role of this variant in disease. Therefore, it has been classified as a Variant of Uncertain Significance.

Natera, Inc.
Classification: Uncertain significance for Bloom syndrome. Last evaluated: 2018-11-13. Review status: no assertion criteria provided. Collection method: clinical testing. Allele origin: germline. Not counted in ClinVar's aggregate classification.

NM_000057.4(BLM):c.1010C>T (p.Thr337Ile)

Gene: BLM (BLM RecQ like helicase; plus strand). Cytogenetic location: 15q26.1.
Variant type: single nucleotide variant.
Coding change: c.1010C>T on transcript NM_000057.4 (MANE Select); coding-DNA position 1010, C replaced by T.
Protein change: p.Thr337Ile; replaces threonine 337 with isoleucine.
Molecular consequence: missense variant. On other transcripts: 5 prime UTR variant (1).
Genome position (GRCh38, 1-based): chr15:90,754,861, C>T. VCF-style: chr15-90754861-C-T. GRCh37 (hg19) VCF-style: chr15-91298091-C-T.
Other names: c.1010C>T, p.Thr337Ile (NM_001287246.2, NM_001287247.2); c.-282C>T (NM_001287248.2); c.1010C>T (NM_000057.2); short protein forms T337I.
Identifiers: ClinVar variation 1058437 (VCV001058437.13), dbSNP rs1176242752, ClinGen allele CA393842093.